The following is an entry in ClinVar:

ClinVar aggregate classification (germline): Likely benign. Review status: criteria provided, multiple submitters, no conflicts (2 of 4 stars). 2 submissions from 2 submitters: Likely benign (2). Last evaluated 2026-01-12.

Conditions:
Immunodeficiency 67. Also called: Immunodeficiency due to interleukin-1 receptor-associated kinase-4 deficiency. Identifiers: Orphanet 70592, MedGen C1843256, MONDO:0011888, OMIM 607676.

Allele frequency attached by ClinVar (database versions not stated): gnomAD 0.00007 and 0.00010; gnomAD exomes 0.00013 and 0.00031; TOPMed 0.00016; ExAC 0.00031; 1000 Genomes Project 30x 0.00047; 1000 Genomes Project 0.00060.
gnomAD v4.1: 192 of 1,588,808 alleles (0.012%); highest among the groups gnomAD compares: East Asian, 0.41%; no homozygotes.

Submissions (2):

Labcorp Genetics (formerly Invitae), Labcorp
Classification: Likely benign for Immunodeficiency 67. Last evaluated: 2026-01-12. Review status: criteria provided, single submitter. Criteria: Invitae Variant Classification Sherloc (09022015). Collection method: clinical testing. Allele origin: germline.

Illumina Laboratory Services, Illumina
Classification: Likely benign for Immunodeficiency 67. Last evaluated: 2018-01-13. Review status: criteria provided, single submitter. Criteria: ICSL Variant Classification Criteria 13 December 2019. Collection method: clinical testing. Allele origin: germline.
Comment: This variant was observed in the ICSL laboratory as part of a predisposition screen in an ostensibly healthy population. It had not been previously curated by ICSL or reported in the Human Gene Mutation Database (HGMD: prior to June 1st, 2018), and was therefore a candidate for classification through an automated scoring system. Utilizing variant allele frequency, disease prevalence and penetrance estimates, and inheritance mode, an automated score was calculated to assess if this variant is too frequent to cause the disease. Based on the score and internal cut-off values, a variant classified as likely benign is not then subjected to further curation. The score for this variant resulted in a classification of likely benign for this disease.

NM_016123.4(IRAK4):c.916C>A (p.His306Asn)

Gene: IRAK4 (interleukin 1 receptor associated kinase 4; plus strand). Cytogenetic location: 12q12.
Variant type: single nucleotide variant.
Coding change: c.916C>A on transcript NM_016123.4 (MANE Select); coding-DNA position 916, C replaced by A.
Protein change: p.His306Asn; replaces histidine 306 with asparagine.
Molecular consequence: missense variant.
Genome position (GRCh38, 1-based): chr12:43,778,277, C>A. VCF-style: chr12-43778277-C-A. GRCh37 (hg19) VCF-style: chr12-44172080-C-A.
Other names: c.916C>A, p.His306Asn (NM_001114182.3, NM_001351345.2); c.544C>A, p.His182Asn (NM_001145256.2, NM_001145257.2, NM_001145258.2 and 5 more transcripts); c.307C>A, p.His103Asn (NM_001351343.2, NM_001351344.2); short protein forms H182N, H103N, H306N.
Identifiers: ClinVar variation 882996 (VCV000882996.12), dbSNP rs115573494, ClinGen allele CA6522527.
Genomic context (GRCh38, chr12:43,778,277, plus strand): 5'-CACATGAGATGCAAGATTGCTCAGGGTGCAGCTAATGGCATCAATTTTCTACATGAAAAT[C>A]ATCATATTCATAGAGATATTAAAAGGTAAATGCTACTGTTTAAAAGTTTTTGGAAAGCTG-3'
Protein context (NP_057207.2, residues 296-316): ANGINFLHEN[His306Asn]HIHRDIKSAN